The following is an entry in ClinVar:

NM_003803.4(MYOM1):c.5042G>A (p.Gly1681Asp)

Gene: MYOM1 (myomesin 1; minus strand). Cytogenetic location: 18p11.31.
Variant type: single nucleotide variant.
Coding change: c.5042G>A on transcript NM_003803.4 (MANE Select); coding-DNA position 5042, G replaced by A.
Protein change: p.Gly1681Asp; replaces glycine 1681 with aspartic acid.
Molecular consequence: missense variant.
Genome position (GRCh38, 1-based): chr18:3,067,278, C>T on the plus strand (G>A on the coding strand, the complement: MYOM1 is on the minus strand). VCF-style: chr18-3067278-C-T. GRCh37 (hg19) VCF-style: chr18-3067276-C-T.
Other names: c.4754G>A, p.Gly1585Asp (NM_019856.2); short protein forms G1585D, G1681D.
Identifiers: ClinVar variation 3401856 (VCV003401856.1).

ClinVar aggregate classification (germline): Uncertain significance (1 of 4 stars; one submission).

Submission:

Ambry Genetics
Classification: Uncertain significance. Last evaluated: 2024-10-08. Review status: criteria provided, single submitter. Criteria: Ambry Variant Classification Scheme 2023. Collection method: clinical testing. Allele origin: germline.
Comment: The p.G1681D variant (also known as c.5042G>A), located in coding exon 37 of the MYOM1 gene, results from a G to A substitution at nucleotide position 5042. The glycine at codon 1681 is replaced by aspartic acid, an amino acid with similar properties. This amino acid position is conserved. In addition, this alteration is predicted to be tolerated by in silico analysis. Based on the available evidence, the clinical significance of this variant remains unclear.